The following is an entry in ClinVar:

ClinVar aggregate classification (germline): Uncertain significance. Review status: criteria provided, multiple submitters, no conflicts (2 of 4 stars). 2 submissions from 2 submitters: Uncertain significance (2). Last evaluated 2022-07-23.

Conditions:
Inborn genetic diseases. Identifiers: MedGen C0950123, MeSH D030342.

Allele frequency attached by ClinVar (database versions not stated): ExAC 0.00004; gnomAD exomes 0.00004; gnomAD 0.00009; TOPMed 0.00015.
gnomAD v4.1: 69 of 1,611,566 alleles (0.0043%); highest among the groups gnomAD compares: Admixed American, 0.013%; no homozygotes.

Submissions (2):

Labcorp Genetics (formerly Invitae), Labcorp
Classification: Uncertain significance. Last evaluated: 2022-07-23. Review status: criteria provided, single submitter. Criteria: Invitae Variant Classification Sherloc (09022015). Collection method: clinical testing. Allele origin: germline.
Comment: This sequence change replaces arginine, which is basic and polar, with cysteine, which is neutral and slightly polar, at codon 217 of the PNPLA8 protein (p.Arg217Cys). This variant is present in population databases (rs774959636, gnomAD 0.02%). This variant has not been reported in the literature in individuals affected with PNPLA8-related conditions. Algorithms developed to predict the effect of missense changes on protein structure and function output the following: SIFT: "Deleterious"; PolyPhen-2: "Benign"; Align-GVGD: "Class C15". The cysteine amino acid residue is found in multiple mammalian species, which suggests that this missense change does not adversely affect protein function. In summary, the available evidence is currently insufficient to determine the role of this variant in disease. Therefore, it has been classified as a Variant of Uncertain Significance.

Ambry Genetics
Classification: Uncertain significance for Inborn genetic diseases. Last evaluated: 2021-06-25. Review status: criteria provided, single submitter. Criteria: Ambry Variant Classification Scheme 2023. Collection method: clinical testing. Allele origin: germline.

NM_001256007.3(PNPLA8):c.649C>T (p.Arg217Cys)

Gene: PNPLA8 (patatin like domain 8, phospholipase A2; minus strand). Cytogenetic location: 7q31.1.
Variant type: single nucleotide variant.
Coding change: c.649C>T on transcript NM_001256007.3 (MANE Select); coding-DNA position 649, C replaced by T.
Protein change: p.Arg217Cys; replaces arginine 217 with cysteine.
Molecular consequence: missense variant.
Genome position (GRCh38, 1-based): chr7:108,514,843, G>A on the plus strand (C>T on the coding strand, the complement: PNPLA8 is on the minus strand). VCF-style: chr7-108514843-G-A. GRCh37 (hg19) VCF-style: chr7-108155287-G-A.
Other names: c.649C>T, p.Arg217Cys (NM_001256008.3, NM_001256009.3, NM_015723.5); c.349C>T, p.Arg117Cys (NM_001256010.3, NM_001256011.3); c.649C>T (NM_015723.2); short protein forms R217C, R117C.
Identifiers: ClinVar variation 2182298 (VCV002182298.2), dbSNP rs774959636, ClinGen allele CA4439785.
Genomic context (GRCh38, chr7:108,514,843, plus strand): 5'-CAAGTTCTGATTTGTCCCGGAAATGTTCATTTTCCTTTTGTTGAGACATTTTTTCCTTAC[G>A]TTTGAAATATGAATTAATATGATTTGATAAAAAGTAGAATGAGTCTCCAAATTTTGTGGT-3'
Protein context (NP_001242936.1, residues 207-227): LSNHINSYFK[Arg217Cys]KEKMSQQKEN